The following is an entry in ClinVar:

NM_000038.6(APC):c.5799T>C (p.Phe1933=)

Gene: APC (APC regulator of Wnt signaling pathway; plus strand). Cytogenetic location: 5q22.2.
Variant type: single nucleotide variant.
Coding change: c.5799T>C on transcript NM_000038.6 (MANE Select); coding-DNA position 5799, T replaced by C.
Protein change: p.Phe1933=; no amino-acid change (phenylalanine 1933 retained).
Molecular consequence: synonymous variant.
Genome position (GRCh38, 1-based): chr5:112,841,393, T>C. VCF-style: chr5-112841393-T-C. GRCh37 (hg19) VCF-style: chr5-112177090-T-C.
Other names: c.5799T>C, p.Phe1933= (NM_001127510.3, NM_001354895.2); c.5745T>C, p.Phe1915= (NM_001127511.3); c.5853T>C, p.Phe1951= (NM_001354896.2); c.5829T>C, p.Phe1943= (NM_001354897.2); c.5724T>C, p.Phe1908= (NM_001354898.2); c.5715T>C, p.Phe1905= (NM_001354899.2); c.5676T>C, p.Phe1892= (NM_001354900.2); c.5622T>C, p.Phe1874= (NM_001354901.2); and 5 more.
Identifiers: ClinVar variation 921933 (VCV000921933.8), dbSNP rs1048920936, ClinGen allele CA446209803.

ClinVar aggregate classification (germline): Benign/Likely benign. Review status: criteria provided, multiple submitters, no conflicts (2 of 4 stars). 4 submissions from 4 submitters: Benign (1); Likely benign (3). Last evaluated 2024-04-02.

Conditions:
Hereditary cancer-predisposing syndrome. Also called: Neoplastic Syndromes, Hereditary; Tumor predisposition; Hereditary Cancer Syndrome; Hereditary neoplastic syndrome. Identifiers: Orphanet 140162, MedGen C0027672, MeSH D009386, MONDO:0015356.
Familial adenomatous polyposis 1 (FAP1). Also called: FAMILIAL ADENOMATOUS POLYPOSIS 1, ATTENUATED; POLYPOSIS, ADENOMATOUS INTESTINAL. Identifiers: MedGen C2713442, MONDO:0021056, OMIM 175100. Disease mechanism: loss of function.

Submissions (4):

Myriad Genetics, Inc.
Classification: Benign for Familial adenomatous polyposis 1. Last evaluated: 2024-04-02. Review status: criteria provided, single submitter. Criteria: Myriad Autosomal Dominant, Autosomal Recessive and X-Linked Classification Criteria (2023). Collection method: clinical testing. Allele origin: unknown.
Comment: This variant is considered benign. This variant is a silent/synonymous amino acid change and it is not expected to impact splicing.

Labcorp Genetics (formerly Invitae), Labcorp
Classification: Likely benign for Familial adenomatous polyposis 1. Last evaluated: 2023-03-11. Review status: criteria provided, single submitter. Criteria: Invitae Variant Classification Sherloc (09022015). Collection method: clinical testing. Allele origin: germline.

Ambry Genetics
Classification: Likely benign for Hereditary cancer-predisposing syndrome. Last evaluated: 2020-01-31. Review status: criteria provided, single submitter. Criteria: Ambry Variant Classification Scheme 2023. Collection method: clinical testing. Allele origin: germline.

Color Diagnostics, LLC DBA Color Health
Classification: Likely benign for Hereditary cancer-predisposing syndrome. Last evaluated: 2019-02-28. Review status: criteria provided, single submitter. Criteria: ACMG Guidelines, 2015. Collection method: clinical testing. Allele origin: germline.